The following is an entry in ClinVar:

ClinVar aggregate classification (germline): Conflicting classifications of pathogenicity. Review status: criteria provided, conflicting classifications (1 of 4 stars). 3 submissions from 3 submitters: Uncertain significance (2); Benign (1). Last evaluated 2026-02-03.

Conditions:
Hereditary cancer-predisposing syndrome. Also called: Hereditary Cancer Syndrome; Neoplastic Syndromes, Hereditary; Hereditary neoplastic syndrome; Tumor predisposition. Identifiers: Orphanet 140162, MedGen C0027672, MeSH D009386, MONDO:0015356.
Hereditary breast ovarian cancer syndrome. Also called: BRCA1- and BRCA2-Associated Hereditary Breast and Ovarian Cancer; Hereditary breast and ovarian cancer syndrome; Hereditary breast and/or ovarian cancer syndrome; Breast and ovarian cancer; Hereditary breast and ovarian cancer; Hereditary breast and ovarian cancer syndrome (HBOC). Identifiers: Orphanet 145, MedGen C0677776, MeSH D061325, MONDO:0003582. Disease mechanism: loss of function.

Allele frequency attached by ClinVar (database versions not stated): TOPMed 0.00002.

Submissions (3):

Labcorp Genetics (formerly Invitae), Labcorp
Classification: Uncertain significance for Hereditary breast ovarian cancer syndrome. Last evaluated: 2026-02-03. Review status: criteria provided, single submitter. Criteria: Invitae Variant Classification Sherloc (09022015). Collection method: clinical testing. Allele origin: germline.
Comment: This sequence change replaces arginine, which is basic and polar, with lysine, which is basic and polar, at codon 2933 of the BRCA2 protein (p.Arg2933Lys). This variant is not present in population databases (gnomAD no frequency). This variant has not been reported in the literature in individuals affected with BRCA2-related conditions. ClinVar contains an entry for this variant (Variation ID: 142644). Invitae Evidence Modeling of protein sequence and biophysical properties (such as structural, functional, and spatial information, amino acid conservation, physicochemical variation, residue mobility, and thermodynamic stability) indicates that this missense variant is not expected to disrupt BRCA2 protein function with a negative predictive value of 95%. In summary, the available evidence is currently insufficient to determine the role of this variant in disease. Therefore, it has been classified as a Variant of Uncertain Significance.

Ambry Genetics
Classification: Benign for Hereditary cancer-predisposing syndrome. Last evaluated: 2025-05-23. Review status: criteria provided, single submitter. Criteria: Ambry Variant Classification Scheme 2023. Collection method: clinical testing. Allele origin: germline.

Color Diagnostics, LLC DBA Color Health
Classification: Uncertain significance for Hereditary cancer-predisposing syndrome. Last evaluated: 2023-12-04. Review status: criteria provided, single submitter. Criteria: ACMG Guidelines, 2015. Collection method: clinical testing. Allele origin: germline.
Comment: This missense variant replaces arginine with lysine at codon 2933 of the BRCA2 protein. Computational prediction suggests that this variant may not impact protein structure and function (internally defined REVEL score threshold <= 0.5, PMID: 27666373). To our knowledge, functional studies have not been reported for this variant. This variant has not been reported in individuals affected with BRCA2-related disorders in the literature. This variant has not been identified in the general population by the Genome Aggregation Database (gnomAD). The available evidence is insufficient to determine the role of this variant in disease conclusively. Therefore, this variant is classified as a Variant of Uncertain Significance.

NM_000059.4(BRCA2):c.8798G>A (p.Arg2933Lys)

Gene: BRCA2 (BRCA2 DNA repair associated; plus strand). Cytogenetic location: 13q13.1.
Variant type: single nucleotide variant.
Coding change: c.8798G>A on transcript NM_000059.4 (MANE Select); coding-DNA position 8798, G replaced by A.
Protein change: p.Arg2933Lys; replaces arginine 2933 with lysine.
Molecular consequence: missense variant.
Genome position (GRCh38, 1-based): chr13:32,379,360, G>A. VCF-style: chr13-32379360-G-A. GRCh37 (hg19) VCF-style: chr13-32953497-G-A.
Other names: short protein forms R2933K.
Identifiers: ClinVar variation 142644 (VCV000142644.16), dbSNP rs553440338, ClinGen allele CA025828.